The following is an entry in ClinVar:

ClinVar aggregate classification (germline): Likely benign (1 of 4 stars; one submission).

Allele frequency attached by ClinVar (database versions not stated): gnomAD 0.00001; ExAC 0.00002; TOPMed 0.00002.
gnomAD v4.1: 37 of 1,607,490 alleles (0.0023%); highest among the groups gnomAD compares: Admixed American, 0.0067%; no homozygotes.

Submission:

CeGaT Center for Human Genetics Tuebingen
Classification: Likely benign. Last evaluated: 2022-12-01. Review status: criteria provided, single submitter. Criteria: CeGaT Center For Human Genetics Tuebingen Variant Classification Criteria Version 2. Collection method: clinical testing. Allele origin: germline. Affected: yes. Observed: 1 variant allele.
Comment: HACL2: BP4, BP7

NM_006844.5(HACL2):c.573C>T (p.Ala191=)

Gene: HACL2 (2-hydroxyacyl-CoA lyase 2; minus strand). Cytogenetic location: 19p13.12.
Variant type: single nucleotide variant.
Coding change: c.573C>T on transcript NM_006844.5 (MANE Select); coding-DNA position 573, C replaced by T.
Protein change: p.Ala191=; no amino-acid change (alanine 191 retained).
Molecular consequence: synonymous variant.
Genome position (GRCh38, 1-based): chr19:15,122,923, G>A on the plus strand (C>T on the coding strand, the complement: HACL2 is on the minus strand). VCF-style: chr19-15122923-G-A. GRCh37 (hg19) VCF-style: chr19-15233734-G-A.
Identifiers: ClinVar variation 2649427 (VCV002649427.24), dbSNP rs754871551, ClinGen allele CA9262054.